The following is an entry in ClinVar:

ClinVar aggregate classification (germline): Uncertain significance (1 of 4 stars; one submission).

Submission:

Women's Health and Genetics/Laboratory Corporation of America, LabCorp
Classification: Uncertain significance. Last evaluated: 2024-06-19. Review status: criteria provided, single submitter. Criteria: LabCorp Variant Classification Summary - May 2015. Collection method: clinical testing. Allele origin: germline.
Comment: Variant summary: SPTBN2 c.*2delT is located in the untranslated mRNA region downstream of the termination codon. The variant allele was found at a frequency of 4.8e-05 in 250050 control chromosomes. This frequency is not significantly higher than estimated for a pathogenic variant in SPTBN2 causing Spinocerebellar Ataxia 5, allowing no conclusion about variant significance. To our knowledge, no occurrence of c.*2delT in individuals affected with Spinocerebellar Ataxia 5 and no experimental evidence demonstrating its impact on protein function have been reported. No submitters have cited clinical-significance assessments for this variant to ClinVar. Based on the evidence outlined above, the variant was classified as uncertain significance.

NM_006946.4(SPTBN2):c.*2del

Gene: SPTBN2 (spectrin beta, non-erythrocytic 2; minus strand). Cytogenetic location: 11q13.2.
Variant type: Deletion.
Coding change: c.*2del on transcript NM_006946.4 (MANE Select); 2 bases downstream of the stop codon, one base deleted (T; older notation c.*2delT).
Molecular consequence: 3 prime UTR variant.
Genome position (GRCh38, 1-based): chr11:66,685,869, A deleted on the plus strand (T on the coding strand, the reverse complement: SPTBN2 is on the minus strand); the first of 2 consecutive A bases (chr11:66,685,869-66,685,870); deleting either gives the same sequence. VCF-style (leftmost placement, unchanged base first): chr11-66685868-CA-C. GRCh37 (hg19) VCF-style: chr11-66453339-CA-C.
Other names: c.*2del (NM_001411025.1); c.*2delT (NM_006946.4).
Identifiers: ClinVar variation 3339982 (VCV003339982.1).
Genomic context (GRCh38, chr11:66,685,868, plus strand): 5'-GTCGACTGTCCCTGGCAGTTTCCTGAACGGAGGGAGGGAGTTGGCCTGGGACCTTGCCCC[CA>C]ACTACTTGTTCTTCTTAAAGAAGCTGAAGCGTTTTTCTCGCTCTCGTTCTCTGCCGTCTT-3'